The following is an entry in ClinVar:

NM_001243279.3(ACSF3):c.1502-5C>T

Gene: ACSF3 (acyl-CoA synthetase family member 3; plus strand). Cytogenetic location: 16q24.3.
Variant type: single nucleotide variant.
Coding change: c.1502-5C>T on transcript NM_001243279.3 (MANE Select); 5 bases into the intron before coding-DNA position 1502, C replaced by T.
Molecular consequence: intron variant.
Genome position (GRCh38, 1-based): chr16:89,145,933, C>T. VCF-style: chr16-89145933-C-T. GRCh37 (hg19) VCF-style: chr16-89212341-C-T.
Other names: c.1502-5C>T (NM_001127214.4, NM_174917.5); c.707-5C>T (NM_001284316.2).
Identifiers: ClinVar variation 512093 (VCV000512093.12), dbSNP rs577763495, ClinGen allele CA8238268.

ClinVar aggregate classification (germline): Likely benign. Review status: criteria provided, multiple submitters, no conflicts (2 of 4 stars). 2 submissions from 2 submitters: Likely benign (2). Last evaluated 2025-10-08.

Conditions:
Combined malonic and methylmalonic acidemia. Identifiers: Orphanet 289504, MedGen C3280314, MONDO:0013661, OMIM 614265.

Allele frequency attached by ClinVar (database versions not stated): ExAC 0.00003; gnomAD exomes 0.00003; 1000 Genomes Project 0.00020; 1000 Genomes Project 30x 0.00031.
gnomAD v4.1: 37 of 1,612,754 alleles (0.0023%); highest among the groups gnomAD compares: South Asian, 0.0044%; no homozygotes.

Submissions (2):

Labcorp Genetics (formerly Invitae), Labcorp
Classification: Likely benign for Combined malonic and methylmalonic acidemia. Last evaluated: 2025-10-08. Review status: criteria provided, single submitter. Criteria: Invitae Variant Classification Sherloc (09022015). Collection method: clinical testing. Allele origin: germline.

GeneDx
Classification: Likely benign. Last evaluated: 2017-10-05. Review status: criteria provided, single submitter. Criteria: GeneDx Variant Classification (06012015). Collection method: clinical testing. Allele origin: germline. Affected: yes.
Comment: This variant is considered likely benign or benign based on one or more of the following criteria: it is a conservative change, it occurs at a poorly conserved position in the protein, it is predicted to be benign by multiple in silico algorithms, and/or has population frequency not consistent with disease.